The following is an entry in ClinVar:

NM_004304.5(ALK):c.1579C>A (p.Pro527Thr)

Gene: ALK (ALK receptor tyrosine kinase; minus strand). Cytogenetic location: 2p23.2.
Variant type: single nucleotide variant.
Coding change: c.1579C>A on transcript NM_004304.5 (MANE Select); coding-DNA position 1579, C replaced by A.
Protein change: p.Pro527Thr; replaces proline 527 with threonine.
Molecular consequence: missense variant.
Genome position (GRCh38, 1-based): chr2:29,318,372, G>T on the plus strand (C>A on the coding strand, the complement: ALK is on the minus strand). VCF-style: chr2-29318372-G-T. GRCh37 (hg19) VCF-style: chr2-29541238-G-T.
Other names: short protein forms P527T.
Identifiers: ClinVar variation 2180758 (VCV002180758.4), dbSNP rs748501104, ClinGen allele CA346471257.

ClinVar aggregate classification (germline): Uncertain significance (1 of 4 stars; one submission).

Conditions:
Neuroblastoma, susceptibility to, 3. Also called: ALK-Related Neuroblastic Tumor Susceptibility. Identifiers: Orphanet 635, MedGen C2751681, MONDO:0013083, OMIM 613014.

gnomAD v4.1: 2 of 1,613,864 alleles (0.00012%); highest among the groups gnomAD compares: Admixed American, 0.0033%; no homozygotes.

Submission:

Labcorp Genetics (formerly Invitae), Labcorp
Classification: Uncertain significance for Neuroblastoma, susceptibility to, 3. Last evaluated: 2022-09-26. Review status: criteria provided, single submitter. Criteria: Invitae Variant Classification Sherloc (09022015). Collection method: clinical testing. Allele origin: germline.
Comment: Algorithms developed to predict the effect of missense changes on protein structure and function (SIFT, PolyPhen-2, Align-GVGD) all suggest that this variant is likely to be tolerated. This variant has not been reported in the literature in individuals affected with ALK-related conditions. This variant is not present in population databases (gnomAD no frequency). This sequence change replaces proline, which is neutral and non-polar, with threonine, which is neutral and polar, at codon 527 of the ALK protein (p.Pro527Thr). In summary, the available evidence is currently insufficient to determine the role of this variant in disease. Therefore, it has been classified as a Variant of Uncertain Significance.